The following is an entry in ClinVar:

ClinVar aggregate classification (germline): Uncertain significance. Review status: criteria provided, multiple submitters, no conflicts (2 of 4 stars). 4 submissions from 4 submitters: Uncertain significance (4). Last evaluated 2025-08-06.

Conditions:
Arrhythmogenic right ventricular dysplasia 8 (ARVD8). Also called: Arrhythmogenic Right Ventricular Dysplasia/Cardiomyopathy 8; ARRHYTHMOGENIC RIGHT VENTRICULAR DYSPLASIA, FAMILIAL, 8; ARRHYTHMOGENIC RIGHT VENTRICULAR CARDIOMYOPATHY 8. Identifiers: MedGen C1843896, MONDO:0011831, OMIM 607450.
Arrhythmogenic cardiomyopathy with wooly hair and keratoderma. Also called: PALMOPLANTAR KERATODERMA WITH LEFT VENTRICULAR CARDIOMYOPATHY AND WOOLLY HAIR; Dilated cardiomyopathy with woolly hair and keratoderma; Arrhythmogenic cardiomyopathy with woolly hair and keratoderma; Carvajal syndrome. Identifiers: Orphanet 65282, MedGen C1854063, MONDO:0011581, OMIM 605676.
Cardiomyopathy (CMYO). Also called: Cardiomyopathies. Identifiers: Orphanet 167848, MedGen C0878544, MONDO:0004994, HP:0001638. Inheritance: Various modes of inheritance.
Cardiovascular phenotype. Identifiers: MedGen CN230736.

Submissions (4):

Labcorp Genetics (formerly Invitae), Labcorp
Classification: Uncertain significance for Arrhythmogenic cardiomyopathy with wooly hair and keratoderma; Arrhythmogenic right ventricular dysplasia 8. Last evaluated: 2025-08-06. Review status: criteria provided, single submitter. Criteria: Invitae Variant Classification Sherloc (09022015). Collection method: clinical testing. Allele origin: germline.
Comment: This sequence change replaces glutamine, which is neutral and polar, with arginine, which is basic and polar, at codon 1446 of the DSP protein (p.Gln1446Arg). This variant is not present in population databases (gnomAD no frequency). This variant has not been reported in the literature in individuals affected with DSP-related conditions. ClinVar contains an entry for this variant (Variation ID: 2775308). An algorithm developed to predict the effect of missense changes on protein structure and function (PolyPhen-2) suggests that this variant is likely to be disruptive. In summary, the available evidence is currently insufficient to determine the role of this variant in disease. Therefore, it has been classified as a Variant of Uncertain Significance.

GeneDx
Classification: Uncertain significance. Last evaluated: 2025-02-25. Review status: criteria provided, single submitter. Criteria: GeneDx Variant Classification Process June 2021. Collection method: clinical testing. Allele origin: germline. Affected: yes.
Comment: Has not been previously published as pathogenic or benign to our knowledge; Not observed at significant frequency in large population cohorts (gnomAD); In silico analysis indicates that this missense variant does not alter protein structure/function

Color Diagnostics, LLC DBA Color Health
Classification: Uncertain significance for Cardiomyopathy. Last evaluated: 2024-03-07. Review status: criteria provided, single submitter. Criteria: ACMG Guidelines, 2015. Collection method: clinical testing. Allele origin: germline.
Comment: This missense variant replaces glutamine with arginine at codon 1446 of the DSP protein. Computational prediction suggests that this variant may not impact protein structure and function (internally defined REVEL score threshold <= 0.5, PMID: 27666373). To our knowledge, functional studies have not been reported for this variant. This variant has not been reported in individuals affected with cardiovascular disorders in the literature. This variant has not been identified in the general population by the Genome Aggregation Database (gnomAD). The available evidence is insufficient to determine the role of this variant in disease conclusively. Therefore, this variant is classified as a Variant of Uncertain Significance.

Ambry Genetics
Classification: Uncertain significance for Cardiovascular phenotype. Last evaluated: 2023-11-02. Review status: criteria provided, single submitter. Criteria: Ambry Variant Classification Scheme 2023. Collection method: clinical testing. Allele origin: germline.
Comment: The p.Q1446R variant (also known as c.4337A>G), located in coding exon 23 of the DSP gene, results from an A to G substitution at nucleotide position 4337. The glutamine at codon 1446 is replaced by arginine, an amino acid with highly similar properties. This amino acid position is conserved. In addition, the in silico prediction for this alteration is inconclusive. Since supporting evidence is limited at this time, the clinical significance of this alteration remains unclear.

NM_004415.4(DSP):c.4337A>G (p.Gln1446Arg)

Gene: DSP (desmoplakin; plus strand). Cytogenetic location: 6p24.3.
Variant type: single nucleotide variant.
Coding change: c.4337A>G on transcript NM_004415.4 (MANE Select); coding-DNA position 4337, A replaced by G.
Protein change: p.Gln1446Arg; replaces glutamine 1446 with arginine.
Molecular consequence: missense variant. On other transcripts: intron variant (2).
Genome position (GRCh38, 1-based): chr6:7,580,527, A>G. VCF-style: chr6-7580527-A-G. GRCh37 (hg19) VCF-style: chr6-7580760-A-G.
Other names: c.4050+287A>G (NM_001319034.2); c.3582+755A>G (NM_001008844.3); short protein forms Q1446R.
Identifiers: ClinVar variation 2775308 (VCV002775308.7), dbSNP rs2533928287, ClinGen allele CA362686087.